The following is an entry in ClinVar:

NM_052844.4(DYNC2I2):c.1315_1318dup (p.Ala440fs)

Gene: DYNC2I2 (dynein 2 intermediate chain 2; minus strand). Cytogenetic location: 9q34.11.
Variant type: Duplication.
Coding change: c.1315_1318dup on transcript NM_052844.4 (MANE Select); coding-DNA positions 1315 to 1318, 4 bases duplicated (TTTG; older notation c.1315_1318dupTTTG).
Protein change: p.Ala440fs; shifts the reading frame from alanine 440.
Molecular consequence: frameshift variant.
Genome position (GRCh38, 1-based): chr9:128,634,280-128,634,283, CAAA duplicated on the plus strand (TTTG on the coding strand, the reverse complement: DYNC2I2 is on the minus strand); duplicating any 4 consecutive bases within chr9:128,634,280-128,634,285 gives the same sequence; the c. name uses the placement nearest the transcript's 3' end. VCF-style (leftmost placement, unchanged base first): chr9-128634279-G-GCAAA. GRCh37 (hg19) VCF-style: chr9-131396558-G-GCAAA.
Other names: short protein forms A440fs.
Identifiers: ClinVar variation 2718602 (VCV002718602.3), dbSNP rs760226714, ClinGen allele CA2691942695.

ClinVar aggregate classification (germline): Pathogenic (1 of 4 stars; one submission).

Conditions:
Short-rib thoracic dysplasia 11 with or without polydactyly (SRTD11). Also called: SHORT-RIB THORACIC DYSPLASIA 11 WITHOUT POLYDACTYLY. Identifiers: Orphanet 474, Orphanet 93271, MedGen C3810200, MONDO:0014287, OMIM 615633.

Submission:

Labcorp Genetics (formerly Invitae), Labcorp
Classification: Pathogenic for Short-rib thoracic dysplasia 11 with or without polydactyly. Last evaluated: 2025-02-18. Review status: criteria provided, single submitter. Criteria: Invitae Variant Classification Sherloc (09022015). Collection method: clinical testing. Allele origin: germline.
Comment: This sequence change creates a premature translational stop signal (p.Ala440Valfs*21) in the WDR34 gene. While this is not anticipated to result in nonsense mediated decay, it is expected to disrupt the last 97 amino acid(s) of the WDR34 protein. This variant is not present in population databases (gnomAD no frequency). This variant has not been reported in the literature in individuals affected with WDR34-related conditions. ClinVar contains an entry for this variant (Variation ID: 2718602). This variant disrupts a region of the WDR34 protein in which other variant(s) (p.Thr514Argfs*11) have been determined to be pathogenic (PMID: 24183451). This suggests that this is a clinically significant region of the protein, and that variants that disrupt it are likely to be disease-causing. For these reasons, this variant has been classified as Pathogenic.

Literature cited by the submitters: PubMed 24183451.